The following is an entry in ClinVar:

ClinVar aggregate classification (germline): Uncertain significance (1 of 4 stars; one submission).

Conditions:
Dilated cardiomyopathy 1Z (CMD1Z). Identifiers: Orphanet 154, MedGen C2678475, MONDO:0012745, OMIM 611879.
Hypertrophic cardiomyopathy 13. Also called: TNNC1-Related Familial Hypertrophic Cardiomyopathy. Identifiers: MedGen C2750472, MONDO:0013195, OMIM 613243.

Allele frequency attached by ClinVar (database versions not stated): gnomAD 0.00001; gnomAD exomes 0.00001; TOPMed 0.00001.
gnomAD v4.1: 12 of 1,614,022 alleles (0.00074%); highest among the groups gnomAD compares: Non-Finnish European, 0.00093%; no homozygotes.

Submission:

Labcorp Genetics (formerly Invitae), Labcorp
Classification: Uncertain significance for Hypertrophic cardiomyopathy 13; Dilated cardiomyopathy 1Z. Last evaluated: 2026-01-05. Review status: criteria provided, single submitter. Criteria: Invitae Variant Classification Sherloc (09022015). Collection method: clinical testing. Allele origin: germline.
Comment: This sequence change replaces aspartic acid, which is acidic and polar, with glutamic acid, which is acidic and polar, at codon 113 of the TNNC1 protein (p.Asp113Glu). This variant is not present in population databases (gnomAD no frequency). This variant has not been reported in the literature in individuals affected with TNNC1-related conditions. ClinVar contains an entry for this variant (Variation ID: 2050261). An algorithm developed to predict the effect of missense changes on protein structure and function (PolyPhen-2) suggests that this variant is likely to be tolerated. In summary, the available evidence is currently insufficient to determine the role of this variant in disease. Therefore, it has been classified as a Variant of Uncertain Significance.

NM_003280.3(TNNC1):c.339C>A (p.Asp113Glu)

Gene: TNNC1 (troponin C1, slow skeletal and cardiac type; minus strand). Cytogenetic location: 3p21.1.
Variant type: single nucleotide variant.
Coding change: c.339C>A on transcript NM_003280.3 (MANE Select); coding-DNA position 339, C replaced by A.
Protein change: p.Asp113Glu; replaces aspartic acid 113 with glutamic acid.
Molecular consequence: missense variant.
Genome position (GRCh38, 1-based): chr3:52,451,506, G>T on the plus strand (C>A on the coding strand, the complement: TNNC1 is on the minus strand). VCF-style: chr3-52451506-G-T. GRCh37 (hg19) VCF-style: chr3-52485522-G-T.
Other names: short protein forms D113E.
Identifiers: ClinVar variation 2050261 (VCV002050261.4), dbSNP rs1008677119, ClinGen allele CA74775349.
Genomic context (GRCh38, chr3:52,451,506, plus strand): 5'-GATGTCGTCCTCCGTGATGGTCTCGCCTGTAGCCTGCAGCATTATCTTCAGCTCATCCAG[G>T]TCGATGTAGCCATCAGCATTTCTGTGGGGAGGGGGCTCAGGGTAGGGCTGTGGGGAGGGC-3'
Protein context (NP_003271.1, residues 103-123): MFDKNADGYI[Asp113Glu]LDELKIMLQA